The following is an entry in ClinVar:

ClinVar aggregate classification (germline): Benign (1 of 4 stars; one submission).

Conditions:
Frank-Ter Haar syndrome. Also called: BORRONE DERMATOCARDIOSKELETAL SYNDROME; TER HAAR SYNDROME; MELNICK-NEEDLES SYNDROME, AUTOSOMAL RECESSIVE; Borrone di Rocco Crovato syndrome. Identifiers: Orphanet 1266, Orphanet 137834, MedGen C1855305, MONDO:0009579, OMIM 249420.

Allele frequency attached by ClinVar (database versions not stated): gnomAD exomes 0.00707; gnomAD 0.04047 and 0.04239; TOPMed 0.04581; 1000 Genomes Project 0.05052; 1000 Genomes Project 30x 0.05340.
gnomAD v4.1: 12,185 of 985,480 alleles (1.2%); highest among the groups gnomAD compares: African/African-American, 13%; 495 homozygotes.

Submission:

Illumina Laboratory Services, Illumina
Classification: Benign for Frank-Ter Haar syndrome. Last evaluated: 2018-01-13. Review status: criteria provided, single submitter. Criteria: ICSL Variant Classification Criteria 13 December 2019. Collection method: clinical testing. Allele origin: germline.
Comment: This variant was observed in the ICSL laboratory as part of a predisposition screen in an ostensibly healthy population. It had not been previously curated by ICSL or reported in the Human Gene Mutation Database (HGMD: prior to June 1st, 2018), and was therefore a candidate for classification through an automated scoring system. Utilizing variant allele frequency, disease prevalence and penetrance estimates, and inheritance mode, an automated score was calculated to assess if this variant is too frequent to cause the disease. Based on the score and internal cut-off values, a variant classified as benign is not then subjected to further curation. The score for this variant resulted in a classification of benign for this disease.

NM_001017995.3(SH3PXD2B):c.*2057T>C

Gene: SH3PXD2B (SH3 and PX domains 2B; minus strand). Cytogenetic location: 5q35.1.
Variant type: single nucleotide variant.
Coding change: c.*2057T>C on transcript NM_001017995.3 (MANE Select); 2057 bases downstream of the stop codon, T replaced by C.
Molecular consequence: 3 prime UTR variant. On other transcripts: intron variant (1).
Genome position (GRCh38, 1-based): chr5:172,336,312, A>G on the plus strand (T>C on the coding strand, the complement: SH3PXD2B is on the minus strand). VCF-style: chr5-172336312-A-G. GRCh37 (hg19) VCF-style: chr5-171763316-A-G.
Other names: c.1188+9824T>C (NM_001308175.2).
Identifiers: ClinVar variation 352764 (VCV000352764.5), dbSNP rs28639552, ClinGen allele CA10624145.